The following is an entry in ClinVar:

NM_003418.5(CNBP):c.156C>T (p.Asp52=)

Gene: CNBP (CCHC-type zinc finger nucleic acid binding protein; minus strand). Cytogenetic location: 3q21.3.
Variant type: single nucleotide variant.
Coding change: c.156C>T on transcript NM_003418.5 (MANE Select); coding-DNA position 156, C replaced by T.
Protein change: p.Asp52=; no amino-acid change (aspartic acid 52 retained).
Molecular consequence: synonymous variant.
Genome position (GRCh38, 1-based): chr3:129,171,507, G>A on the plus strand (C>T on the coding strand, the complement: CNBP is on the minus strand). VCF-style: chr3-129171507-G-A. GRCh37 (hg19) VCF-style: chr3-128890350-G-A.
Other names: c.156C>T, p.Asp52= (NM_001127192.2, NM_001127193.2); c.135C>T, p.Asp45= (NM_001127194.2, NM_001127195.2, NM_001127196.2).
Identifiers: ClinVar variation 1217358 (VCV001217358.7), dbSNP rs4303883, ClinGen allele CA2603321.

ClinVar aggregate classification (germline): Benign. Review status: criteria provided, multiple submitters, no conflicts (2 of 4 stars). 4 submissions from 4 submitters: Benign (3). 1 of the submissions does not count toward it. Last evaluated 2021-07-22.

Conditions:
Myotonic dystrophy type 2 (DM2). Also called: RICKER SYNDROME; Myotonic Myopathy, Proximal. Identifiers: Orphanet 606, MedGen C2931689, MONDO:0011266, OMIM 602668.
CNBP-related disorder. Also called: CNBP-related condition.

Allele frequency attached by ClinVar (database versions not stated): 1000 Genomes Project 30x 0.74859; 1000 Genomes Project 0.75719; TOPMed 0.78386; ESP Exome Variant Server 0.79125; gnomAD exomes 0.94788.
gnomAD v4.1: 1,506,588 of 1,614,018 alleles (93%); highest among the groups gnomAD compares: Non-Finnish European, 97%; 714,807 homozygotes.

Submissions (4):

Genome-Nilou Lab
Classification: Benign for Myotonic dystrophy type 2. Last evaluated: 2021-07-22. Review status: criteria provided, single submitter. Criteria: ACMG Guidelines, 2015. Collection method: clinical testing. Allele origin: germline. Affected: no.

GeneDx
Classification: Benign. Last evaluated: 2019-01-31. Review status: criteria provided, single submitter. Criteria: GeneDx Variant Classification Process June 2021. Collection method: clinical testing. Allele origin: germline. Affected: yes.

Breakthrough Genomics
Classification: Benign. Review status: criteria provided, single submitter. Criteria: ACMG Guidelines, 2015. Collection method: not provided. Allele origin: germline. Inheritance: Autosomal dominant inheritance. Affected: yes.

PreventionGenetics, part of Exact Sciences
Classification: Benign for CNBP-related condition. Last evaluated: 2019-10-18. Review status: no assertion criteria provided. Collection method: clinical testing. Allele origin: germline. Not counted in ClinVar's aggregate classification.
Comment: This variant is classified as benign based on ACMG/AMP sequence variant interpretation guidelines (Richards et al. 2015 PMID: 25741868, with internal and published modifications).